The following is an entry in ClinVar:

ClinVar aggregate classification (germline): Uncertain significance. Review status: criteria provided, multiple submitters, no conflicts (2 of 4 stars). 2 submissions from 2 submitters: Uncertain significance (2). Last evaluated 2022-11-16.

Conditions:
Hereditary nonpolyposis colorectal neoplasms. Identifiers: MedGen C0009405, MeSH D003123.
Hereditary cancer-predisposing syndrome. Also called: Hereditary neoplastic syndrome; Neoplastic Syndromes, Hereditary; Tumor predisposition; Hereditary Cancer Syndrome. Identifiers: Orphanet 140162, MedGen C0027672, MeSH D009386, MONDO:0015356.

Submissions (2):

Ambry Genetics
Classification: Uncertain significance for Hereditary cancer-predisposing syndrome. Last evaluated: 2022-11-16. Review status: criteria provided, single submitter. Criteria: Ambry Variant Classification Scheme 2023. Collection method: clinical testing. Allele origin: germline.
Comment: The p.L527R variant (also known as c.1580T>G), located in coding exon 4 of the MSH6 gene, results from a T to G substitution at nucleotide position 1580. The leucine at codon 527 is replaced by arginine, an amino acid with dissimilar properties. This amino acid position is conserved. In addition, this alteration is predicted to be deleterious by in silico analysis. Since supporting evidence is limited at this time, the clinical significance of this alteration remains unclear.

Labcorp Genetics (formerly Invitae), Labcorp
Classification: Uncertain significance for Hereditary nonpolyposis colorectal neoplasms. Last evaluated: 2019-09-30. Review status: criteria provided, single submitter. Criteria: Invitae Variant Classification Sherloc (09022015). Collection method: clinical testing. Allele origin: germline.
Comment: Algorithms developed to predict the effect of missense changes on protein structure and function are either unavailable or do not agree on the potential impact of this missense change (SIFT: "Tolerated"; PolyPhen-2: "Probably Damaging"; Align-GVGD: "Class C0"). This variant is not present in population databases (ExAC no frequency). This variant has not been reported in the literature in individuals with MSH6-related conditions. In summary, the available evidence is currently insufficient to determine the role of this variant in disease. Therefore, it has been classified as a Variant of Uncertain Significance. This sequence change replaces leucine with arginine at codon 527 of the MSH6 protein (p.Leu527Arg). The leucine residue is moderately conserved and there is a moderate physicochemical difference between leucine and arginine.

NM_000179.3(MSH6):c.1580T>G (p.Leu527Arg)

Gene: MSH6 (mutS homolog 6; plus strand). Cytogenetic location: 2p16.3.
Variant type: single nucleotide variant.
Coding change: c.1580T>G on transcript NM_000179.3 (MANE Select); coding-DNA position 1580, T replaced by G.
Protein change: p.Leu527Arg; replaces leucine 527 with arginine.
Molecular consequence: missense variant.
Genome position (GRCh38, 1-based): chr2:47,799,563, T>G. VCF-style: chr2-47799563-T-G. GRCh37 (hg19) VCF-style: chr2-48026702-T-G.
Other names: c.1190T>G, p.Leu397Arg (NM_001281492.2); c.674T>G, p.Leu225Arg (NM_001281493.2, NM_001281494.2); short protein forms L397R, L225R, L527R.
Identifiers: ClinVar variation 941119 (VCV000941119.12), dbSNP rs1669347620, ClinGen allele CA346746843.